The following is an entry in ClinVar:

NM_000159.4(GCDH):c.-35+3A>G

Genes: GCDH (glutaryl-CoA dehydrogenase; plus strand), LOC117125594 (CRISPRi-FlowFISH-validated KLF1 regulatory element; plus strand). Cytogenetic location: 19p13.13.
Variant type: single nucleotide variant.
Coding change: c.-35+3A>G on transcript NM_000159.4 (MANE Select); 3 bases into the intron after 35 bases upstream of the start codon, A replaced by G.
Molecular consequence: intron variant.
Genome position (GRCh38, 1-based): chr19:12,891,205, A>G. VCF-style: chr19-12891205-A-G. GRCh37 (hg19) VCF-style: chr19-13002019-A-G.
Other names: c.-35+3A>G (NM_013976.5).
Identifiers: ClinVar variation 388409 (VCV000388409.1), dbSNP rs990871155, ClinGen allele CA16608032.

ClinVar aggregate classification (germline): Likely benign (1 of 4 stars; one submission).

Allele frequency attached by ClinVar (database versions not stated): TOPMed 0.00001; gnomAD 0.00001.

Submission:

GeneDx
Classification: Likely benign. Last evaluated: 2016-08-11. Review status: criteria provided, single submitter. Criteria: GeneDx Variant Classification (06012015). Collection method: clinical testing. Allele origin: germline. Affected: yes.
Comment: This variant is considered likely benign or benign based on one or more of the following criteria: it is a conservative change, it occurs at a poorly conserved position in the protein, it is predicted to be benign by multiple in silico algorithms, and/or has population frequency not consistent with disease.